The following is an entry in ClinVar:

NM_000388.4(CASR):c.916G>A (p.Ala306Thr)

Gene: CASR (calcium sensing receptor; plus strand). Cytogenetic location: 3q21.1.
Variant type: single nucleotide variant.
Coding change: c.916G>A on transcript NM_000388.4 (MANE Select); coding-DNA position 916, G replaced by A.
Protein change: p.Ala306Thr; replaces alanine 306 with threonine.
Molecular consequence: missense variant.
Genome position (GRCh38, 1-based): chr3:122,261,951, G>A. VCF-style: chr3-122261951-G-A. GRCh37 (hg19) VCF-style: chr3-121980798-G-A.
Other names: c.916G>A, p.Ala306Thr (NM_001178065.2); short protein forms A306T.
Identifiers: ClinVar variation 1766041 (VCV001766041.4), dbSNP rs2074630775, ClinGen allele CA354151626.

ClinVar aggregate classification (germline): Uncertain significance. Review status: criteria provided, multiple submitters, no conflicts (2 of 4 stars). 2 submissions from 2 submitters: Uncertain significance (2). Last evaluated 2024-08-01.

Conditions:
Autosomal dominant hypocalcemia 1 (HYPOC1). Also called: HYPOCALCEMIA, FAMILIAL. Identifiers: MedGen C3715128, MONDO:0011013, OMIM 601198.
Familial hypocalciuric hypercalcemia (FHH). Also called: Familial benign hypercalcemia. Identifiers: Orphanet 405, MedGen C1809471, MONDO:0018458.
Nephrolithiasis/nephrocalcinosis. Identifiers: MedGen CN580796.

gnomAD v4.1: 2 of 1,614,054 alleles (0.00012%); highest among the groups gnomAD compares: Non-Finnish European, 0.000085%; no homozygotes.

Submissions (2):

Labcorp Genetics (formerly Invitae), Labcorp
Classification: Uncertain significance for Familial hypocalciuric hypercalcemia; Autosomal dominant hypocalcemia 1. Last evaluated: 2024-08-01. Review status: criteria provided, single submitter. Criteria: Invitae Variant Classification Sherloc (09022015). Collection method: clinical testing. Allele origin: germline.
Comment: This sequence change replaces alanine, which is neutral and non-polar, with threonine, which is neutral and polar, at codon 306 of the CASR protein (p.Ala306Thr). This variant is not present in population databases (gnomAD no frequency). This variant has not been reported in the literature in individuals affected with CASR-related conditions. ClinVar contains an entry for this variant (Variation ID: 1766041). An algorithm developed to predict the effect of missense changes on protein structure and function (PolyPhen-2) suggests that this variant is likely to be disruptive. In summary, the available evidence is currently insufficient to determine the role of this variant in disease. Therefore, it has been classified as a Variant of Uncertain Significance.

Ambry Genetics
Classification: Uncertain significance for Nephrolithiasis/nephrocalcinosis. Last evaluated: 2022-06-04. Review status: criteria provided, single submitter. Criteria: Ambry Variant Classification Scheme 2023. Collection method: clinical testing. Allele origin: germline.
Comment: The p.A306T variant (also known as c.916G>A), located in coding exon 3 of the CASR gene, results from a G to A substitution at nucleotide position 916. The alanine at codon 306 is replaced by threonine, an amino acid with similar properties. This amino acid position is conserved. In addition, this alteration is predicted to be deleterious by in silico analysis. Since supporting evidence is limited at this time, the clinical significance of this alteration remains unclear.